The following is an entry in ClinVar:

ClinVar aggregate classification (germline): Pathogenic. Review status: reviewed by expert panel (3 of 4 stars). 8 submissions from 8 submitters: Pathogenic (1). 7 of the submissions do not count toward it. Last evaluated 2016-09-08.

Conditions:
Gastric cancer. Also called: Stomach cancer; Malignant tumor of stomach. Identifiers: MedGen C0024623, MeSH D013274, MONDO:0001056, OMIM 613659, HP:0012126.
Hereditary cancer-predisposing syndrome. Also called: Hereditary Cancer Syndrome; Neoplastic Syndromes, Hereditary; Hereditary neoplastic syndrome; Tumor predisposition. Identifiers: Orphanet 140162, MedGen C0027672, MeSH D009386, MONDO:0015356.
Hereditary breast ovarian cancer syndrome. Also called: Hereditary breast and ovarian cancer syndrome; Breast and ovarian cancer; BRCA1- and BRCA2-Associated Hereditary Breast and Ovarian Cancer; Hereditary breast and/or ovarian cancer syndrome; Hereditary breast and ovarian cancer; Hereditary breast and ovarian cancer syndrome (HBOC). Identifiers: Orphanet 145, MedGen C0677776, MeSH D061325, MONDO:0003582. Disease mechanism: loss of function.
Breast-ovarian cancer, familial, susceptibility to, 2 (BROVCA2). Also called: BRCA2 Hereditary Breast and Ovarian Cancer. Identifiers: Orphanet 145, MedGen C2675520, MONDO:0012933, OMIM 612555. Disease mechanism: loss of function.

Submissions (8):

Evidence-based Network for the Interpretation of Germline Mutant Alleles (ENIGMA)
Classification: Pathogenic for Breast-ovarian cancer, familial, susceptibility to, 2. Last evaluated: 2016-09-08. Review status: reviewed by expert panel. Criteria: ENIGMA BRCA1/2 Classification Criteria (2015). Collection method: curation. Allele origin: germline.
Comment: Variant allele predicted to encode a truncated non-functional protein.

Labcorp Genetics (formerly Invitae), Labcorp
Classification: Pathogenic for Hereditary breast ovarian cancer syndrome. Last evaluated: 2025-05-05. Review status: criteria provided, single submitter. Criteria: Invitae Variant Classification Sherloc (09022015). Collection method: clinical testing. Allele origin: germline. Not counted in ClinVar's aggregate classification.
Comment: This sequence change creates a premature translational stop signal (p.Asp427Thrfs*3) in the BRCA2 gene. It is expected to result in an absent or disrupted protein product. Loss-of-function variants in BRCA2 are known to be pathogenic (PMID: 20104584). This variant is not present in population databases (gnomAD no frequency). This premature translational stop signal has been observed in individual(s) with Ewing sarcoma and breast and/or ovarian cancer (PMID: 24249303, 26822237). This variant is also known as 1506delA. ClinVar contains an entry for this variant (Variation ID: 51094). For these reasons, this variant has been classified as Pathogenic.

Ambry Genetics
Classification: Pathogenic for Hereditary cancer-predisposing syndrome. Last evaluated: 2025-01-16. Review status: criteria provided, single submitter. Criteria: Ambry Variant Classification Scheme 2023. Collection method: clinical testing. Allele origin: germline. Not counted in ClinVar's aggregate classification.
Comment: The c.1278delA pathogenic mutation, located in coding exon 9 of the BRCA2 gene, results from a deletion of one nucleotide at nucleotide position 1278, causing a translational frameshift with a predicted alternate stop codon (p.D427Tfs*3). This alteration has been reported in individuals diagnosed with breast cancer (Kawahara M et al. J Hum Genet, 2004 May;49:391-395; Walsh MF et al. Cold Spring Harb Mol Case Stud, 2017 Nov;3:; Tozaki M et al. Magn Reson Med Sci, 2017 Jul;16:265-269; Yamauchi H et al. Breast Cancer Res Treat, 2018 Dec;172:679-687; Liu Y et al. Mol Genet Genomic Med, 2019 03;7:e493; Momozawa Y et al. Nat Commun, 2018 10;9:4083). This variant is considered to be rare based on population cohorts in the Genome Aggregation Database (gnomAD). In addition to the information presented in the literature, this alteration is expected to result in loss of function by premature protein truncation or nonsense-mediated mRNA decay. As such, this alteration is interpreted as a disease-causing mutation.

Color Diagnostics, LLC DBA Color Health
Classification: Pathogenic for Hereditary cancer-predisposing syndrome. Last evaluated: 2020-05-13. Review status: criteria provided, single submitter. Criteria: ACMG Guidelines, 2015. Collection method: clinical testing. Allele origin: germline. Not counted in ClinVar's aggregate classification.
Comment: This variant deletes 1 nucleotide in exon 10 of the BRCA2 gene, creating a frameshift and premature translation stop signal. This variant is expected to result in an absent or non-functional protein product. This variant has been reported in individuals affected with breast cancer (PMID: 28090007, 30652428). This variant has not been identified in the general population by the Genome Aggregation Database (gnomAD). Loss of BRCA2 function is a known mechanism of disease. Based on the available evidence, this variant is classified as Pathogenic.

Women's Health and Genetics/Laboratory Corporation of America, LabCorp
Classification: Pathogenic for Hereditary breast and ovarian cancer syndrome. Last evaluated: 2019-11-27. Review status: criteria provided, single submitter. Criteria: LabCorp Variant Classification Summary - May 2015. Collection method: clinical testing. Allele origin: germline. Not counted in ClinVar's aggregate classification.
Comment: Variant summary: BRCA2 c.1278delA (p.Asp427ThrfsX3) results in a premature termination codon, predicted to cause a truncation of the encoded protein or absence of the protein due to nonsense mediated decay, which are commonly known mechanisms for disease. Truncations downstream of this position have been classified as pathogenic by our laboratory. The variant was absent in 243654 control chromosomes. c.1278delA has been reported in the literature in individuals affected with Hereditary Breast and Ovarian Cancer (example, Nakamura_2013, Parsons_2016, Momozawa_2018 and Liu_2019). Many of these reports were in sequencing studies originating from Japanese cohorts (example, Momozawa_2018). These data indicate that the variant is likely to be associated with disease. No experimental evidence demonstrating an impact on protein function was ascertained. Four clinical diagnostic laboratories have submitted clinical-significance assessments for this variant to ClinVar after 2014 without evidence for independent evaluation. All laboratories classified the variant as pathogenic. Based on the evidence outlined above, the variant was classified as pathogenic.

Mendelics
Classification: Pathogenic for Hereditary breast and ovarian cancer syndrome. Last evaluated: 2018-07-02. Review status: criteria provided, single submitter. Criteria: Mendelics Assertion Criteria 2017. Collection method: clinical testing. Allele origin: unknown. Not counted in ClinVar's aggregate classification.

Laboratory for Genotyping Development, RIKEN
Classification: Pathogenic for Gastric cancer. Last evaluated: 2021-07-01. Review status: no assertion criteria provided. Collection method: research. Allele origin: germline. Not counted in ClinVar's aggregate classification.

Breast Cancer Information Core (BIC) (BRCA2)
Classification: Pathogenic for Breast-ovarian cancer, familial 2. Last evaluated: 2003-12-23. Review status: no assertion criteria provided. Collection method: clinical testing. Allele origin: germline. Affected: yes. Observed: 2 variant alleles. Not counted in ClinVar's aggregate classification.

Literature cited by the submitters: PubMed 20104584 (cited by Labcorp Genetics (formerly Invitae), Labcorp); PubMed 24249303 (cited by Labcorp Genetics (formerly Invitae), Labcorp and Women's Health and Genetics/Laboratory Corporation of America, LabCorp); PubMed 26822237 (cited by 3 submitters); PubMed 15168169 (cited by Ambry Genetics); PubMed 28090007 (cited by Ambry Genetics); PubMed 28655807 (cited by Ambry Genetics and Women's Health and Genetics/Laboratory Corporation of America, LabCorp); PubMed 29176636 (cited by Ambry Genetics); PubMed 30203341 (cited by Ambry Genetics); PubMed 30287823 (cited by Ambry Genetics and Women's Health and Genetics/Laboratory Corporation of America, LabCorp); PubMed 30652428 (cited by Ambry Genetics and Women's Health and Genetics/Laboratory Corporation of America, LabCorp); PubMed 36988593 (cited by Laboratory for Genotyping Development, RIKEN).

NM_000059.4(BRCA2):c.1278del (p.Asp427fs)

Gene: BRCA2 (BRCA2 DNA repair associated; plus strand). Cytogenetic location: 13q13.1.
Variant type: Deletion.
Coding change: c.1278del on transcript NM_000059.4 (MANE Select); coding-DNA position 1278, one base deleted (A; older notation c.1278delA).
Protein change: p.Asp427fs; shifts the reading frame from aspartic acid 427.
Molecular consequence: frameshift variant.
Genome position (GRCh38, 1-based): chr13:32,332,756, A deleted; the last of 5 consecutive A bases (chr13:32,332,752-32,332,756); deleting any one gives the same sequence. VCF-style (leftmost placement, unchanged base first): chr13-32332751-GA-G. GRCh37 (hg19) VCF-style: chr13-32906888-GA-G.
Other names: 1506delA; c.1278delA (NM_000059.3).
Identifiers: ClinVar variation 51094 (VCV000051094.37), dbSNP rs80359274, ClinGen allele CA011433.